The following is an entry in ClinVar:

ClinVar aggregate classification (germline): Pathogenic. Review status: criteria provided, multiple submitters, no conflicts (2 of 4 stars). 3 submissions from 3 submitters: Pathogenic (2). 1 of the submissions does not count toward it. Last evaluated 2025-04-03.

Conditions:
Marfan syndrome (MFS). Also called: Marfan syndrome type 1; Marfan syndrome, classic; Marfan's syndrome; FBN1-Related Marfan Syndrome; MARFAN SYNDROME, TYPE I. Identifiers: Orphanet 284963, Orphanet 558, MedGen C0024796, MONDO:0007947, OMIM 154700.
Familial thoracic aortic aneurysm and aortic dissection (TAAD). Also called: Thoracic aortic aneurysms and dissections. Identifiers: Orphanet 91387, MedGen C4707243, MONDO:0019625.

Submissions (3):

Labcorp Genetics (formerly Invitae), Labcorp
Classification: Pathogenic for Marfan syndrome; Familial thoracic aortic aneurysm and aortic dissection. Last evaluated: 2025-04-03. Review status: criteria provided, single submitter. Criteria: Invitae Variant Classification Sherloc (09022015). Collection method: clinical testing. Allele origin: germline.
Comment: This sequence change replaces cysteine, which is neutral and slightly polar, with tyrosine, which is neutral and polar, at codon 504 of the FBN1 protein (p.Cys504Tyr). This variant is not present in population databases (gnomAD no frequency). This missense change has been observed in individual(s) with Marfan syndrome (PMID: 17627385). ClinVar contains an entry for this variant (Variation ID: 549021). Invitae Evidence Modeling of protein sequence and biophysical properties (such as structural, functional, and spatial information, amino acid conservation, physicochemical variation, residue mobility, and thermodynamic stability) indicates that this missense variant is expected to disrupt FBN1 protein function with a positive predictive value of 95%. This variant affects a cysteine residue in the EGF-like, TGFBP or hybrid motif domains of FBN1. Cysteine residues are believed to be involved in intramolecular disulfide bridges and have been shown to be important for FBN1 protein structure (PMID: 16905551, 19349279). In addition, missense substitutions affecting cysteine residues within these domains are significantly overrepresented among patients with Marfan syndrome (PMID: 16571647, 17701892). This variant disrupts the p.Cys504 amino acid residue in FBN1. Other variant(s) that disrupt this residue have been observed in individuals with FBN1-related conditions (PMID: 10425041, 17657824; internal data), which suggests that this may be a clinically significant amino acid residue. For these reasons, this variant has been classified as Pathogenic.

Ambry Genetics
Classification: Pathogenic for Familial thoracic aortic aneurysm and aortic dissection. Last evaluated: 2020-11-19. Review status: criteria provided, single submitter. Criteria: Ambry Variant Classification Scheme 2023. Collection method: clinical testing. Allele origin: germline.
Comment: The p.C504Y pathogenic mutation (also known as c.1511G>A), located in coding exon 12 of the FBN1 gene, results from a G to A substitution at nucleotide position 1511. The cysteine at codon 504 is replaced by tyrosine, an amino acid with highly dissimilar properties. Based on internal structural assessment, this alteration eliminates a structurally critical disulfide bond in cbEGF-like domain #3. The majority of FBN1 mutations identified to date have involved the substitution or generation of cysteine residues within cbEGF domains (Vollbrandt T et al. J Biol Chem. 2004;279(31):32924-32931). This variant has been identified in individuals with features of type 1 fibrillinopathies, including ectopia lentis and aortic root dilatation (Howarth R et al. Genet Test, 2007;11:146-52; Turner CL et al. Am J Med Genet A, 2009 Feb;149A:161-70; Hicks KL et al. J Vasc Surg, 2018 09;68:701-711). Two other alterations at the same codon, p.C504F (c.1511G>T) and p.C504R (c.1510T>C), have been described in individuals with clinical features of type 1 fibrillinopathies (El-Aleem AA et al. Hum Mutat, 1999 Aug;14:181; Rybczynski M et al. Am J Med Genet A, 2008 Dec;146A:3157-66; Sheikhzadeh S et al. Clin Genet, 2012 Sep;82:240-7; Rommel K et al. Hum Mutat, 2005 Dec;26:529-39; Howarth R et al. Genet Test, 2007;11:146-52; Comeglio P et al. Hum Mutat, 2007 Sep;28:928; Robinson DO et al. Clin Genet, 2012 Sep;82:223-31; Madar L et al. J Biotechnol, 2019 Aug;301:105-111). This variant was not reported in population-based cohorts in the Genome Aggregation Database (gnomAD). Based on the supporting evidence, this alteration is interpreted as a disease-causing mutation.

Center for Medical Genetics Ghent, University of Ghent
Classification: Pathogenic for Marfan syndrome. Last evaluated: 2017-11-07. Review status: no assertion criteria provided. Collection method: clinical testing. Allele origin: germline. Affected: yes. Not counted in ClinVar's aggregate classification.

Literature cited by the submitters: PubMed 17627385 (cited by Labcorp Genetics (formerly Invitae), Labcorp and Ambry Genetics); PubMed 16905551 (cited by Labcorp Genetics (formerly Invitae), Labcorp); PubMed 19349279 (cited by Labcorp Genetics (formerly Invitae), Labcorp); PubMed 16571647 (cited by Labcorp Genetics (formerly Invitae), Labcorp); PubMed 17701892 (cited by Labcorp Genetics (formerly Invitae), Labcorp); PubMed 10425041 (cited by Labcorp Genetics (formerly Invitae), Labcorp); PubMed 17657824 (cited by Labcorp Genetics (formerly Invitae), Labcorp); PubMed 19161152 (cited by Ambry Genetics); PubMed 29510914 (cited by Ambry Genetics).

NM_000138.5(FBN1):c.1511G>A (p.Cys504Tyr)

Gene: FBN1 (fibrillin 1; minus strand). Cytogenetic location: 15q21.1.
Variant type: single nucleotide variant.
Coding change: c.1511G>A on transcript NM_000138.5 (MANE Select); coding-DNA position 1511, G replaced by A.
Protein change: p.Cys504Tyr; replaces cysteine 504 with tyrosine.
Molecular consequence: missense variant.
Genome position (GRCh38, 1-based): chr15:48,513,626, C>T on the plus strand (G>A on the coding strand, the complement: FBN1 is on the minus strand). VCF-style: chr15-48513626-C-T. GRCh37 (hg19) VCF-style: chr15-48805823-C-T.
Other names: short protein forms C504Y.
Identifiers: ClinVar variation 549021 (VCV000549021.4), dbSNP rs1156747241, ClinGen allele CA392342611.
Genomic context (GRCh38, chr15:48,513,626, plus strand): 5'-GTGAGTGTGCTCTGATATCCAGCTCGGCACTGACAGGTGTACGAACCCTGGTTGTTAATA[C>T]ACTCACCACCAGCACAGGGGTTTTTCTCACATTCATCAACATCTGCAAAGCACAATGTAT-3'
Protein context (NP_000129.3, residues 494-514): CEKNPCAGGE[Cys504Tyr]INNQGSYTCQ